The following is an entry in ClinVar:

ClinVar aggregate classification (germline): Pathogenic (1 of 4 stars; one submission).

gnomAD v4.1: 7 of 1,613,780 alleles (0.00043%); highest among the groups gnomAD compares: African/African-American, 0.0067%; no homozygotes.

Submission:

Labcorp Genetics (formerly Invitae), Labcorp
Classification: Pathogenic. Last evaluated: 2024-02-02. Review status: criteria provided, single submitter. Criteria: Invitae Variant Classification Sherloc (09022015). Collection method: clinical testing. Allele origin: germline.
Comment: This sequence change creates a premature translational stop signal (p.Arg222*) in the LCT gene. It is expected to result in an absent or disrupted protein product. Loss-of-function variants in LCT are known to be pathogenic (PMID: 16400612, 25881162). This variant is present in population databases (rs147426095, gnomAD 0.01%). This variant has not been reported in the literature in individuals affected with LCT-related conditions. Algorithms developed to predict the effect of sequence changes on RNA splicing suggest that this variant may disrupt the consensus splice site. For these reasons, this variant has been classified as Pathogenic.

Literature cited by the submitters: PubMed 16400612; PubMed 25881162.

NM_002299.4(LCT):c.664C>T (p.Arg222Ter)

Gene: LCT (lactase; minus strand). Cytogenetic location: 2q21.3.
Variant type: single nucleotide variant.
Coding change: c.664C>T on transcript NM_002299.4 (MANE Select); coding-DNA position 664, C replaced by T.
Protein change: p.Arg222Ter; replaces arginine 222 with a stop codon.
Molecular consequence: nonsense.
Genome position (GRCh38, 1-based): chr2:135,833,167, G>A on the plus strand (C>T on the coding strand, the complement: LCT is on the minus strand). VCF-style: chr2-135833167-G-A. GRCh37 (hg19) VCF-style: chr2-136590737-G-A.
Other names: short protein forms R222*.
Identifiers: ClinVar variation 3618483 (VCV003618483.2).